The following is an entry in ClinVar:

ClinVar aggregate classification (germline): Benign (1 of 4 stars; one submission).

Allele frequency attached by ClinVar (database versions not stated): 1000 Genomes Project 30x 0.03857; 1000 Genomes Project 0.03934; TOPMed 0.06250.
gnomAD v4.1: 9,053 of 138,472 alleles (6.5%); highest among the groups gnomAD compares: Middle Eastern, 11%; 352 homozygotes.

Submission:

GeneDx
Classification: Benign. Last evaluated: 2018-06-19. Review status: criteria provided, single submitter. Criteria: GeneDx Variant Classification (06012015). Collection method: clinical testing. Allele origin: germline. Affected: yes.
Comment: This variant is considered likely benign or benign based on one or more of the following criteria: it is a conservative change, it occurs at a poorly conserved position in the protein, it is predicted to be benign by multiple in silico algorithms, and/or has population frequency not consistent with disease.

NM_014252.4(SLC25A15):c.781+304A>C

Gene: SLC25A15 (solute carrier family 25 member 15; plus strand). Cytogenetic location: 13q14.11.
Variant type: single nucleotide variant.
Coding change: c.781+304A>C on transcript NM_014252.4 (MANE Select); 304 bases into the intron after coding-DNA position 781, A replaced by C.
Molecular consequence: intron variant.
Genome position (GRCh38, 1-based): chr13:40,808,900, A>C. VCF-style: chr13-40808900-A-C. GRCh37 (hg19) VCF-style: chr13-41383036-A-C.
Identifiers: ClinVar variation 672020 (VCV000672020.1), dbSNP rs141630056, ClinGen allele CA248381385.